The following is an entry in ClinVar:

NM_005732.4(RAD50):c.1762A>C (p.Asn588His)

Gene: RAD50 (RAD50 double strand break repair protein; plus strand). Cytogenetic location: 5q31.1.
Variant type: single nucleotide variant.
Coding change: c.1762A>C on transcript NM_005732.4 (MANE Select); coding-DNA position 1762, A replaced by C.
Protein change: p.Asn588His; replaces asparagine 588 with histidine.
Molecular consequence: missense variant.
Genome position (GRCh38, 1-based): chr5:132,592,003, A>C. VCF-style: chr5-132592003-A-C. GRCh37 (hg19) VCF-style: chr5-131927695-A-C.
Other names: short protein forms N588H.
Identifiers: ClinVar variation 2014820 (VCV002014820.4), dbSNP rs2479643820, ClinGen allele CA360946692.
Genomic context (GRCh38, chr5:132,592,003, plus strand): 5'-GGATATTTTCCCAACAAAAAACAGCTTGAAGACTGGCTACATAGTAAATCAAAAGAAATT[A>C]ATCAGACCAGGGACAGACTTGCCAAATTGAAGTAAGTTGCAACATTTGGAGATGTAATAG-3'
Protein context (NP_005723.2, residues 578-598): DWLHSKSKEI[Asn588His]QTRDRLAKLN

ClinVar aggregate classification (germline): Uncertain significance (1 of 4 stars; one submission).

Conditions:
Hereditary cancer-predisposing syndrome. Also called: Hereditary Cancer Syndrome; Neoplastic Syndromes, Hereditary; Hereditary neoplastic syndrome; Tumor predisposition. Identifiers: Orphanet 140162, MedGen C0027672, MeSH D009386, MONDO:0015356.

Submission:

Labcorp Genetics (formerly Invitae), Labcorp
Classification: Uncertain significance for Hereditary cancer-predisposing syndrome. Last evaluated: 2022-07-07. Review status: criteria provided, single submitter. Criteria: Invitae Variant Classification Sherloc (09022015). Collection method: clinical testing. Allele origin: germline.
Comment: This sequence change replaces asparagine, which is neutral and polar, with histidine, which is basic and polar, at codon 588 of the RAD50 protein (p.Asn588His). This variant is not present in population databases (gnomAD no frequency). This variant has not been reported in the literature in individuals affected with RAD50-related conditions. Algorithms developed to predict the effect of missense changes on protein structure and function are either unavailable or do not agree on the potential impact of this missense change (SIFT: "Tolerated"; PolyPhen-2: "Possibly Damaging"; Align-GVGD: "Class C0"). In summary, the available evidence is currently insufficient to determine the role of this variant in disease. Therefore, it has been classified as a Variant of Uncertain Significance.